The following is an entry in ClinVar:

NM_001807.6(CEL):c.2046G>C (p.Pro682=)

Gene: CEL (carboxyl ester lipase; plus strand). Cytogenetic location: 9q34.13.
Variant type: single nucleotide variant.
Coding change: c.2046G>C on transcript NM_001807.6 (MANE Select); coding-DNA position 2046, G replaced by C.
Protein change: p.Pro682=; no amino-acid change (proline 682 retained).
Molecular consequence: synonymous variant.
Genome position (GRCh38, 1-based): chr9:133,071,548, G>C. VCF-style: chr9-133071548-G-C. GRCh37 (hg19) VCF-style: chr9-135946935-G-C.
Identifiers: ClinVar variation 2659682 (VCV002659682.24), dbSNP rs1201516575, ClinGen allele CA467814577.

ClinVar aggregate classification (germline): Likely benign (1 of 4 stars; one submission).

Submission:

CeGaT Center for Human Genetics Tuebingen
Classification: Likely benign. Last evaluated: 2026-06-01. Review status: criteria provided, single submitter. Criteria: CeGaT Center For Human Genetics Tuebingen Variant Classification Criteria Version 2. Collection method: clinical testing. Allele origin: germline. Affected: yes. Observed: 6 variant alleles.
Comment: CEL: BP4, BP7